The following is an entry in ClinVar:

NM_199355.4(ADAMTS18):c.766C>T (p.Arg256Ter)

Gene: ADAMTS18 (ADAM metallopeptidase with thrombospondin type 1 motif 18; minus strand). Cytogenetic location: 16q23.1.
Variant type: single nucleotide variant.
Coding change: c.766C>T on transcript NM_199355.4 (MANE Select); coding-DNA position 766, C replaced by T.
Protein change: p.Arg256Ter; replaces arginine 256 with a stop codon.
Molecular consequence: nonsense. On other transcripts: synonymous variant (1).
Genome position (GRCh38, 1-based): chr16:77,367,453, G>A on the plus strand (C>T on the coding strand, the complement: ADAMTS18 is on the minus strand). VCF-style: chr16-77367453-G-A. GRCh37 (hg19) VCF-style: chr16-77401350-G-A.
Other names: c.246C>T, p.Asp82= (NM_001326358.2); short protein forms R256*.
Identifiers: ClinVar variation 1456807 (VCV001456807.6), dbSNP rs762638651, ClinGen allele CA8181570.
Genomic context (GRCh38, chr16:77,367,453, plus strand): 5'-TGTCGAGGCCCACATAAGAACAGAAAAAGAAAAAGTTTCCTTACATACATTTCTTGCGTC[G>A]TCCACAAAAATGCTGCTTTTGCAACCTTCGATGGTGATACTCTGTCTCTCGACTCTGAGA-3'

ClinVar aggregate classification (germline): Pathogenic (1 of 4 stars; one submission).

Allele frequency attached by ClinVar (database versions not stated): ExAC 0.00001; gnomAD 0.00001; TOPMed 0.00001; gnomAD exomes 0.00002.
gnomAD v4.1: 19 of 1,614,014 alleles (0.0012%); highest among the groups gnomAD compares: Non-Finnish European, 0.0011%; no homozygotes.

Submission:

Labcorp Genetics (formerly Invitae), Labcorp
Classification: Pathogenic. Last evaluated: 2023-10-03. Review status: criteria provided, single submitter. Criteria: Invitae Variant Classification Sherloc (09022015). Collection method: clinical testing. Allele origin: germline.
Comment: This sequence change creates a premature translational stop signal (p.Arg256*) in the ADAMTS18 gene. It is expected to result in an absent or disrupted protein product. Loss-of-function variants in ADAMTS18 are known to be pathogenic (PMID: 23818446, 24874986). This variant is present in population databases (rs762638651, gnomAD 0.004%). This variant has not been reported in the literature in individuals affected with ADAMTS18-related conditions. ClinVar contains an entry for this variant (Variation ID: 1456807). For these reasons, this variant has been classified as Pathogenic.

Literature cited by the submitters: PubMed 23818446; PubMed 24874986.